The following is an entry in ClinVar:

NM_001136157.2(OTUD5):c.820C>T (p.Arg274Trp)

Gene: OTUD5 (OTU deubiquitinase 5; minus strand). Cytogenetic location: Xp11.23.
Variant type: single nucleotide variant.
Coding change: c.820C>T on transcript NM_001136157.2 (MANE Select); coding-DNA position 820, C replaced by T.
Protein change: p.Arg274Trp; replaces arginine 274 with tryptophan.
Molecular consequence: missense variant.
Genome position (GRCh38, 1-based): chrX:48,934,801, G>A on the plus strand (C>T on the coding strand, the complement: OTUD5 is on the minus strand). VCF-style: chrX-48934801-G-A. GRCh37 (hg19) VCF-style: chrX-48792074-G-A.
Other names: c.820C>T, p.Arg274Trp (NM_001136158.2, NM_017602.4); c.169C>T, p.Arg57Trp (NM_001136159.2); c.820C>T (NM_017602.3); short protein forms R274W, R57W.
Identifiers: ClinVar variation 996325 (VCV000996325.2), dbSNP rs2063805506, ClinGen allele CA412913414.

ClinVar aggregate classification (germline): Uncertain significance. Review status: criteria provided, single submitter (1 of 4 stars). 2 submissions from 2 submitters: Uncertain significance (1). 1 of the submissions does not count toward it. Last evaluated 2024-07-16.

Conditions:
Inborn genetic diseases. Identifiers: MedGen C0950123, MeSH D030342.
Multiple congenital anomalies-neurodevelopmental syndrome, X-linked. Also called: LINKED SYNDROME. Identifiers: MedGen C5542341, MONDO:0025351, OMIM 301056.

Submissions (2):

Ambry Genetics
Classification: Uncertain significance for Inborn genetic diseases. Last evaluated: 2024-07-16. Review status: criteria provided, single submitter. Criteria: Ambry Variant Classification Scheme 2023. Collection method: clinical testing. Allele origin: germline.
Comment: The c.820C>T (p.R274W) alteration is located in exon 4 (coding exon 4) of the OTUD5 gene. This alteration results from a C to T substitution at nucleotide position 820, causing the arginine (R) at amino acid position 274 to be replaced by a tryptophan (W). This variant was not reported in population-based cohorts in the Genome Aggregation Database (gnomAD). This amino acid position is highly conserved in available vertebrate species. This missense alteration is located in a region that has a low rate of benign missense variation (Lek, 2016; Firth, 2009). In an assay testing OTUD5 function, this variant showed a functionally abnormal result (Beck, 2021). This alteration is predicted to be deleterious by in silico analysis. Based on insufficient or conflicting evidence, the clinical significance of this alteration remains unclear.

OMIM
Classification: Pathogenic for MULTIPLE CONGENITAL ANOMALIES-NEURODEVELOPMENTAL SYNDROME, X-LINKED. Last evaluated: 2021-02-09. Review status: no assertion criteria provided. Collection method: literature only. Allele origin: germline. Not counted in ClinVar's aggregate classification.

Literature cited by the submitters: PubMed 33523931 (cited by Ambry Genetics and OMIM).